The following is an entry in ClinVar:

NM_005732.4(RAD50):c.1652A>G (p.Gln551Arg)

Gene: RAD50 (RAD50 double strand break repair protein; plus strand). Cytogenetic location: 5q31.1.
Variant type: single nucleotide variant.
Coding change: c.1652A>G on transcript NM_005732.4 (MANE Select); coding-DNA position 1652, A replaced by G.
Protein change: p.Gln551Arg; replaces glutamine 551 with arginine.
Molecular consequence: missense variant.
Genome position (GRCh38, 1-based): chr5:132,591,893, A>G. VCF-style: chr5-132591893-A-G. GRCh37 (hg19) VCF-style: chr5-131927585-A-G.
Other names: short protein forms Q551R.
Identifiers: ClinVar variation 527345 (VCV000527345.14), dbSNP rs1554098469, ClinGen allele CA360946336.

ClinVar aggregate classification (germline): Uncertain significance. Review status: criteria provided, multiple submitters, no conflicts (2 of 4 stars). 2 submissions from 2 submitters: Uncertain significance (2). Last evaluated 2025-09-28.

Conditions:
Hereditary cancer-predisposing syndrome. Also called: Neoplastic Syndromes, Hereditary; Tumor predisposition; Hereditary Cancer Syndrome; Hereditary neoplastic syndrome. Identifiers: Orphanet 140162, MedGen C0027672, MeSH D009386, MONDO:0015356.

gnomAD v4.1: 1 of 1,606,532 alleles (0.000062%); highest among the groups gnomAD compares: Non-Finnish European, 0.000085%; no homozygotes.

Submissions (2):

Ambry Genetics
Classification: Uncertain significance for Hereditary cancer-predisposing syndrome. Last evaluated: 2025-09-28. Review status: criteria provided, single submitter. Criteria: Ambry Variant Classification Scheme 2023. Collection method: clinical testing. Allele origin: germline.
Comment: The p.Q551R variant (also known as c.1652A>G), located in coding exon 11 of the RAD50 gene, results from an A to G substitution at nucleotide position 1652. The glutamine at codon 551 is replaced by arginine, an amino acid with highly similar properties. This amino acid position is well conserved in available vertebrate species. In addition, this alteration is predicted to be tolerated by in silico analysis. Since supporting evidence is limited at this time, the clinical significance of this alteration remains unclear.

Labcorp Genetics (formerly Invitae), Labcorp
Classification: Uncertain significance for Hereditary cancer-predisposing syndrome. Last evaluated: 2022-10-28. Review status: criteria provided, single submitter. Criteria: Invitae Variant Classification Sherloc (09022015). Collection method: clinical testing. Allele origin: germline.
Comment: In summary, the available evidence is currently insufficient to determine the role of this variant in disease. Therefore, it has been classified as a Variant of Uncertain Significance. Algorithms developed to predict the effect of missense changes on protein structure and function (SIFT, PolyPhen-2, Align-GVGD) all suggest that this variant is likely to be tolerated. This sequence change replaces glutamine, which is neutral and polar, with arginine, which is basic and polar, at codon 551 of the RAD50 protein (p.Gln551Arg). This variant is not present in population databases (gnomAD no frequency). This variant has not been reported in the literature in individuals affected with RAD50-related conditions. ClinVar contains an entry for this variant (Variation ID: 527345).